The following is an entry in ClinVar:

NM_002890.3(RASA1):c.1613C>G (p.Pro538Arg)

Genes: CCNH (cyclin H; minus strand), RASA1 (RAS p21 protein activator 1; plus strand). Cytogenetic location: 5q14.3.
Variant type: single nucleotide variant.
Coding change: c.1613C>G on transcript NM_002890.3 (MANE Select); coding-DNA position 1613, C replaced by G.
Protein change: p.Pro538Arg; replaces proline 538 with arginine.
Molecular consequence: missense variant. On other transcripts: intron variant (1).
Genome position (GRCh38, 1-based): chr5:87,369,815, C>G. VCF-style: chr5-87369815-C-G. GRCh37 (hg19) VCF-style: chr5-86665632-C-G.
Other names: c.1082C>G, p.Pro361Arg (NM_022650.3); c.933+25229G>C (NM_001364075.2); short protein forms P538R, P361R.
Identifiers: ClinVar variation 2568112 (VCV002568112.2), dbSNP rs780414530, ClinGen allele CA360371542.

ClinVar aggregate classification (germline): Uncertain significance. Review status: criteria provided, multiple submitters, no conflicts (2 of 4 stars). 2 submissions from 2 submitters: Uncertain significance (2). Last evaluated 2025-11-08.

Conditions:
Cardiovascular phenotype. Identifiers: MedGen CN230736.
Capillary malformation-arteriovenous malformation syndrome. Also called: Capillary malformation-arteriovenous malformation. Identifiers: Orphanet 137667, MedGen C1842180, MONDO:0012016.

Allele frequency attached by ClinVar (database versions not stated): gnomAD exomes below 0.00001.
gnomAD v4.1: 1 of 1,609,302 alleles (0.000062%); highest among the groups gnomAD compares: Non-Finnish European, 0.000085%; no homozygotes.

Submissions (2):

Labcorp Genetics (formerly Invitae), Labcorp
Classification: Uncertain significance for Capillary malformation-arteriovenous malformation syndrome. Last evaluated: 2025-11-08. Review status: criteria provided, single submitter. Criteria: Invitae Variant Classification Sherloc (09022015). Collection method: clinical testing. Allele origin: germline.
Comment: This sequence change replaces proline, which is neutral and non-polar, with arginine, which is basic and polar, at codon 538 of the RASA1 protein (p.Pro538Arg). This variant is not present in population databases (gnomAD no frequency). This variant has not been reported in the literature in individuals affected with RASA1-related conditions. ClinVar contains an entry for this variant (Variation ID: 2568112). An algorithm developed to predict the effect of missense changes on protein structure and function (PolyPhen-2) suggests that this variant is likely to be disruptive. In summary, the available evidence is currently insufficient to determine the role of this variant in disease. Therefore, it has been classified as a Variant of Uncertain Significance.

Ambry Genetics
Classification: Uncertain significance for Cardiovascular phenotype. Last evaluated: 2023-05-28. Review status: criteria provided, single submitter. Criteria: Ambry Variant Classification Scheme 2023. Collection method: clinical testing. Allele origin: germline.
Comment: The p.P538R variant (also known as c.1613C>G), located in coding exon 12 of the RASA1 gene, results from a C to G substitution at nucleotide position 1613. The proline at codon 538 is replaced by arginine, an amino acid with dissimilar properties. This amino acid position is conserved. In addition, the in silico prediction for this alteration is inconclusive. Since supporting evidence is limited at this time, the clinical significance of this alteration remains unclear.